The following is an entry in ClinVar:

NM_021072.4(HCN1):c.1414A>T (p.Thr472Ser)

Gene: HCN1 (hyperpolarization activated cyclic nucleotide gated potassium channel 1; minus strand). Cytogenetic location: 5p12.
Variant type: single nucleotide variant.
Coding change: c.1414A>T on transcript NM_021072.4 (MANE Select); coding-DNA position 1414, A replaced by T.
Protein change: p.Thr472Ser; replaces threonine 472 with serine.
Molecular consequence: missense variant.
Genome position (GRCh38, 1-based): chr5:45,303,803, T>A on the plus strand (A>T on the coding strand, the complement: HCN1 is on the minus strand). VCF-style: chr5-45303803-T-A. GRCh37 (hg19) VCF-style: chr5-45303905-T-A.
Other names: short protein forms T472S.
Identifiers: ClinVar variation 1308694 (VCV001308694.2), dbSNP rs2111905140, ClinGen allele CA359702780.

ClinVar aggregate classification (germline): Uncertain significance (1 of 4 stars; one submission).

Submission:

GeneDx
Classification: Uncertain significance. Last evaluated: 2020-01-13. Review status: criteria provided, single submitter. Criteria: GeneDx Variant Classification Process June 2021. Collection method: clinical testing. Allele origin: germline. Affected: yes.
Comment: Not observed in large population cohorts (Lek et al., 2016); In silico analysis, which includes protein predictors and evolutionary conservation, supports that this variant does not alter protein structure/function; Has not been previously published as pathogenic or benign to our knowledge